The following is an entry in ClinVar:

NM_181882.3(PRX):c.1546C>T (p.Arg516Trp)

Gene: PRX (periaxin; minus strand). Cytogenetic location: 19q13.2.
Variant type: single nucleotide variant.
Coding change: c.1546C>T on transcript NM_181882.3 (MANE Select); coding-DNA position 1546, C replaced by T.
Protein change: p.Arg516Trp; replaces arginine 516 with tryptophan.
Molecular consequence: missense variant. On other transcripts: 3 prime UTR variant (1).
Genome position (GRCh38, 1-based): chr19:40,396,806, G>A on the plus strand (C>T on the coding strand, the complement: PRX is on the minus strand). VCF-style: chr19-40396806-G-A. GRCh37 (hg19) VCF-style: chr19-40902713-G-A.
Other names: c.*1751C>T (NM_020956.2); short protein forms R516W.
Identifiers: ClinVar variation 246316 (VCV000246316.20), dbSNP rs144305922, ClinGen allele CA9444242.
Genomic context (GRCh38, chr19:40,396,806, plus strand): 5'-TCTCTGGCACCTTTGGGAGTTTCATCTCCGACACTTTCAGCAGCTGTACCTCTGGAAGCC[G>A]CACCTCCGGCACAGCCATCTCTGGCACCTTTGGGAGTTTCATCTCTGACACTTTGGGCAG-3'
Protein context (NP_870998.2, residues 506-526): KVPEMAVPEV[Arg516Trp]LPEVQLLKVS

ClinVar aggregate classification (germline): Conflicting classifications of pathogenicity. Review status: criteria provided, conflicting classifications (1 of 4 stars). 9 submissions from 8 submitters: Uncertain significance (8); Likely benign (1). Last evaluated 2024-10-11.

Conditions:
Inborn genetic diseases. Identifiers: MedGen C0950123, MeSH D030342.
Charcot-Marie-Tooth disease type 4. Also called: Charcot-Marie-Tooth disease, type IV; Charcot-Marie-Tooth, Type 4. Identifiers: Orphanet 64749, MedGen C4082197, MONDO:0018995.
Dejerine-Sottas disease. Also called: Charcot-Marie-Tooth disease type 3; HEREDITARY MOTOR AND SENSORY NEUROPATHY TYPE III; HMSN Type III; Hereditary motor and sensory neuropathy 3; DEJERINE-SOTTAS NEUROPATHY. Identifiers: Orphanet 64748, MedGen C0011195, MONDO:0007790, OMIM 145900.
Charcot-Marie-Tooth disease type 4F. Also called: Charcot-Marie-Tooth disease, demyelinating, type 4F. Identifiers: Orphanet 99952, MedGen C3540453, MONDO:0013959, OMIM 614895.

Allele frequency attached by ClinVar (database versions not stated): ESP Exome Variant Server 0.00008; gnomAD 0.00008 and 0.00009; gnomAD exomes 0.00010; ExAC 0.00016.
gnomAD v4.1: 135 of 1,613,544 alleles (0.0084%); highest among the groups gnomAD compares: Middle Eastern, 0.21%; 1 homozygote.

Submissions (9):

Blueprint Genetics
Classification: Uncertain significance. Last evaluated: 2024-10-11. Review status: criteria provided, single submitter. Criteria: ACMG Guidelines, 2015. Collection method: clinical testing. Allele origin: germline.

Ambry Genetics
Classification: Likely benign for Inborn genetic diseases. Last evaluated: 2024-01-24. Review status: criteria provided, single submitter. Criteria: Ambry Variant Classification Scheme 2023. Collection method: clinical testing. Allele origin: germline.

Baylor Genetics
Classification: Uncertain significance for Charcot-Marie-Tooth disease type 4F. Last evaluated: 2023-03-13. Review status: criteria provided, single submitter. Criteria: ACMG Guidelines, 2015. Collection method: clinical testing. Allele origin: unknown.

Baylor Genetics
Classification: Uncertain significance for Dejerine-Sottas disease. Last evaluated: 2023-03-13. Review status: criteria provided, single submitter. Criteria: ACMG Guidelines, 2015. Collection method: clinical testing. Allele origin: unknown.

Labcorp Genetics (formerly Invitae), Labcorp
Classification: Uncertain significance for Charcot-Marie-Tooth disease type 4. Last evaluated: 2022-09-01. Review status: criteria provided, single submitter. Criteria: Invitae Variant Classification Sherloc (09022015). Collection method: clinical testing. Allele origin: germline.
Comment: This sequence change replaces arginine, which is basic and polar, with tryptophan, which is neutral and slightly polar, at codon 516 of the PRX protein (p.Arg516Trp). The frequency data for this variant in the population databases is considered unreliable, as metrics indicate poor data quality at this position in the gnomAD database. This variant has not been reported in the literature in individuals affected with PRX-related conditions. ClinVar contains an entry for this variant (Variation ID: 246316). Algorithms developed to predict the effect of missense changes on protein structure and function are either unavailable or do not agree on the potential impact of this missense change (SIFT: "Deleterious"; PolyPhen-2: "Possibly Damaging"; Align-GVGD: "Class C0"). In summary, the available evidence is currently insufficient to determine the role of this variant in disease. Therefore, it has been classified as a Variant of Uncertain Significance.

Department of Pathology and Laboratory Medicine, Sinai Health System
Classification: Uncertain significance for Dejerine-Sottas disease; Charcot-Marie-Tooth disease type 4F. Last evaluated: 2020-06-16. Review status: criteria provided, single submitter. Criteria: ACMG Guidelines, 2015. Collection method: research. Allele origin: germline.

GeneDx
Classification: Uncertain significance. Last evaluated: 2020-01-31. Review status: criteria provided, single submitter. Criteria: GeneDx Variant Classification Process June 2021. Collection method: clinical testing. Allele origin: germline. Affected: yes.
Comment: In silico analysis supports that this missense variant does not alter protein structure/function; Has not been previously published as pathogenic or benign to our knowledge

Fulgent Genetics
Classification: Uncertain significance for Dejerine-Sottas disease; Charcot-Marie-Tooth disease type 4F. Last evaluated: 2018-10-31. Review status: criteria provided, single submitter. Criteria: ACMG Guidelines, 2015. Collection method: clinical testing. Allele origin: unknown.

Illumina Laboratory Services, Illumina
Classification: Uncertain significance for Charcot-Marie-Tooth disease type 4F. Last evaluated: 2018-01-13. Review status: criteria provided, single submitter. Criteria: ICSL Variant Classification Criteria 13 December 2019. Collection method: clinical testing. Allele origin: germline.